The following is an entry in ClinVar:

ClinVar aggregate classification (germline): Uncertain significance (1 of 4 stars; one submission).

Conditions:
Epileptic encephalopathy. Identifiers: MedGen C0543888, HP:0200134.

Allele frequency attached by ClinVar (database versions not stated): gnomAD exomes below 0.00001; TOPMed below 0.00001.
gnomAD v4.1: 2 of 1,612,498 alleles (0.00012%); highest among the groups gnomAD compares: South Asian, 0.0022%; no homozygotes.

Submission:

Labcorp Genetics (formerly Invitae), Labcorp
Classification: Uncertain significance for Epileptic encephalopathy. Last evaluated: 2023-03-08. Review status: criteria provided, single submitter. Criteria: Invitae Variant Classification Sherloc (09022015). Collection method: clinical testing. Allele origin: germline.
Comment: This sequence change falls in intron 13 of the FASN gene. It does not directly change the encoded amino acid sequence of the FASN protein. It affects a nucleotide within the consensus splice site. The frequency data for this variant in the population databases is considered unreliable, as metrics indicate poor data quality at this position in the gnomAD database. This variant has not been reported in the literature in individuals affected with FASN-related conditions. Variants that disrupt the consensus splice site are a relatively common cause of aberrant splicing (PMID: 17576681, 9536098). Algorithms developed to predict the effect of sequence changes on RNA splicing suggest that this variant is not likely to affect RNA splicing. In summary, the available evidence is currently insufficient to determine the role of this variant in disease. Therefore, it has been classified as a Variant of Uncertain Significance.

Literature cited by the submitters: PubMed 17576681; PubMed 9536098.

NM_004104.5(FASN):c.2100+3G>A

Gene: FASN (fatty acid synthase; minus strand). Cytogenetic location: 17q25.3.
Variant type: single nucleotide variant.
Coding change: c.2100+3G>A on transcript NM_004104.5 (MANE Select); 3 bases into the intron after coding-DNA position 2100, G replaced by A.
Molecular consequence: intron variant.
Genome position (GRCh38, 1-based): chr17:82,089,247, C>T on the plus strand (G>A on the coding strand, the complement: FASN is on the minus strand). VCF-style: chr17-82089247-C-T. GRCh37 (hg19) VCF-style: chr17-80047123-C-T.
Identifiers: ClinVar variation 2841920 (VCV002841920.3), dbSNP rs1305488370, ClinGen allele CA628027105.